The following is an entry in ClinVar:

NM_001042492.3(NF1):c.8278T>G (p.Ser2760Ala)

Gene: NF1 (neurofibromin 1; plus strand). Cytogenetic location: 17q11.2.
Variant type: single nucleotide variant.
Coding change: c.8278T>G on transcript NM_001042492.3 (MANE Select); coding-DNA position 8278, T replaced by G.
Protein change: p.Ser2760Ala; replaces serine 2760 with alanine.
Molecular consequence: missense variant.
Genome position (GRCh38, 1-based): chr17:31,360,604, T>G. VCF-style: chr17-31360604-T-G. GRCh37 (hg19) VCF-style: chr17-29687622-T-G.
Other names: c.8215T>G, p.Ser2739Ala (NM_000267.4); short protein forms S2739A, S2760A.
Identifiers: ClinVar variation 1460545 (VCV001460545.8), dbSNP rs2151588025, ClinGen allele CA399204793.

ClinVar aggregate classification (germline): Uncertain significance (1 of 4 stars; one submission).

Conditions:
Neurofibromatosis, type 1 (NF1). Also called: NEUROFIBROMATOSIS, TYPE I, SOMATIC; VON RECKLINGHAUSEN DISEASE; Peripheral type neurofibromatosis; Neurofibromatosis, type I. Identifiers: Orphanet 636, MedGen C0027831, MONDO:0018975, OMIM 162200. Disease mechanism: loss of function.

Submission:

Labcorp Genetics (formerly Invitae), Labcorp
Classification: Uncertain significance for Neurofibromatosis, type 1. Last evaluated: 2021-03-27. Review status: criteria provided, single submitter. Criteria: Invitae Variant Classification Sherloc (09022015). Collection method: clinical testing. Allele origin: germline.
Comment: In summary, the available evidence is currently insufficient to determine the role of this variant in disease. Therefore, it has been classified as a Variant of Uncertain Significance. Algorithms developed to predict the effect of sequence changes on RNA splicing suggest that this variant may create or strengthen a splice site, but this prediction has not been confirmed by published transcriptional studies. This sequence change replaces serine with alanine at codon 2739 of the NF1 protein (p.Ser2739Ala). The serine residue is moderately conserved and there is a moderate physicochemical difference between serine and alanine. This variant is not present in population databases (ExAC no frequency). This variant has not been reported in the literature in individuals with NF1-related conditions. Advanced modeling of protein sequence and biophysical properties (such as structural, functional, and spatial information, amino acid conservation, physicochemical variation, residue mobility, and thermodynamic stability) performed at Invitae indicates that this missense variant is not expected to disrupt NF1 protein function.